The following is an entry in ClinVar:

NM_015331.3(NCSTN):c.1144C>G (p.Pro382Ala)

Gene: NCSTN (nicastrin; plus strand). Cytogenetic location: 1q23.2.
Variant type: single nucleotide variant.
Coding change: c.1144C>G on transcript NM_015331.3 (MANE Select); coding-DNA position 1144, C replaced by G.
Protein change: p.Pro382Ala; replaces proline 382 with alanine.
Molecular consequence: missense variant.
Genome position (GRCh38, 1-based): chr1:160,353,202, C>G. VCF-style: chr1-160353202-C-G. GRCh37 (hg19) VCF-style: chr1-160322992-C-G.
Other names: c.730C>G, p.Pro244Ala (NM_001290186.2); c.1144C>G, p.Pro382Ala (NM_001349729.2); c.1084C>G, p.Pro362Ala (NM_001290184.2); short protein forms P244A, P362A, P382A.
Identifiers: ClinVar variation 3682521 (VCV003682521.2).

ClinVar aggregate classification (germline): Uncertain significance (1 of 4 stars; one submission).

Submission:

Labcorp Genetics (formerly Invitae), Labcorp
Classification: Uncertain significance. Last evaluated: 2024-08-02. Review status: criteria provided, single submitter. Criteria: Invitae Variant Classification Sherloc (09022015). Collection method: clinical testing. Allele origin: germline.
Comment: This sequence change replaces proline, which is neutral and non-polar, with alanine, which is neutral and non-polar, at codon 382 of the NCSTN protein (p.Pro382Ala). This variant is not present in population databases (gnomAD no frequency). This variant has not been reported in the literature in individuals affected with NCSTN-related conditions. Advanced modeling of protein sequence and biophysical properties (such as structural, functional, and spatial information, amino acid conservation, physicochemical variation, residue mobility, and thermodynamic stability) performed at Invitae indicates that this missense variant is expected to disrupt NCSTN protein function with a positive predictive value of 80%. In summary, the available evidence is currently insufficient to determine the role of this variant in disease. Therefore, it has been classified as a Variant of Uncertain Significance.